The following is an entry in ClinVar:

NM_001374828.1(ARID1B):c.4797G>A (p.Gln1599=)

Gene: ARID1B (AT-rich interaction domain 1B; plus strand). Cytogenetic location: 6q25.3.
Variant type: single nucleotide variant.
Coding change: c.4797G>A on transcript NM_001374828.1 (MANE Select); coding-DNA position 4797, G replaced by A.
Protein change: p.Gln1599=; no amino-acid change (glutamine 1599 retained).
Molecular consequence: synonymous variant.
Genome position (GRCh38, 1-based): chr6:157,201,022, G>A. VCF-style: chr6-157201022-G-A. GRCh37 (hg19) VCF-style: chr6-157522156-G-A.
Other names: c.2298G>A, p.Gln766= (NM_001363725.2); c.4677G>A, p.Gln1559= (NM_001371656.1, NM_001374820.1); c.4926G>A, p.Gln1642= (NM_001438482.1); c.4839G>A, p.Gln1613= (NM_001438483.1); c.4707G>A, p.Gln1569= (NM_001438485.1); c.4680G>A, p.Gln1560= (NM_001438486.1); c.4617G>A, p.Gln1539= (NM_001438487.1); c.2139G>A, p.Gln713= (NM_001438488.1); and 1 more.
Identifiers: ClinVar variation 4874962 (VCV004874962.2).

ClinVar aggregate classification (germline): Uncertain significance (1 of 4 stars; one submission).

gnomAD v4.1: 1 of 1,613,908 alleles (0.000062%); highest among the groups gnomAD compares: Admixed American, 0.0017%; no homozygotes.

Submission:

CeGaT Center for Human Genetics Tuebingen
Classification: Uncertain significance. Last evaluated: 2026-05-01. Review status: criteria provided, single submitter. Criteria: CeGaT Center For Human Genetics Tuebingen Variant Classification Criteria Version 2. Collection method: clinical testing. Allele origin: germline. Affected: yes. Observed: 1 variant allele.
Comment: ARID1B: PM2, BP4, BP7